The following is an entry in ClinVar:

NM_000208.4(INSR):c.3560C>T (p.Thr1187Met)

Gene: INSR (insulin receptor; minus strand). Cytogenetic location: 19p13.2.
Variant type: single nucleotide variant.
Coding change: c.3560C>T on transcript NM_000208.4 (MANE Select); coding-DNA position 3560, C replaced by T.
Protein change: p.Thr1187Met; replaces threonine 1187 with methionine.
Molecular consequence: missense variant.
Genome position (GRCh38, 1-based): chr19:7,120,719, G>A on the plus strand (C>T on the coding strand, the complement: INSR is on the minus strand). VCF-style: chr19-7120719-G-A. GRCh37 (hg19) VCF-style: chr19-7120730-G-A.
Other names: c.3524C>T, p.Thr1175Met (NM_001079817.3); short protein forms T1187M, T1175M.
Identifiers: ClinVar variation 4740857 (VCV004740857.1).

ClinVar aggregate classification (germline): Uncertain significance (1 of 4 stars; one submission).

gnomAD v4.1: 49 of 1,613,902 alleles (0.003%); highest among the groups gnomAD compares: Non-Finnish European, 0.0036%; no homozygotes.

Submission:

Labcorp Genetics (formerly Invitae), Labcorp
Classification: Uncertain significance. Last evaluated: 2025-11-30. Review status: criteria provided, single submitter. Criteria: Invitae Variant Classification Sherloc (09022015). Collection method: clinical testing. Allele origin: germline.
Comment: This sequence change replaces threonine, which is neutral and polar, with methionine, which is neutral and non-polar, at codon 1187 of the INSR protein (p.Thr1187Met). This variant is present in population databases (rs766867210, gnomAD 0.007%). This variant has not been reported in the literature in individuals affected with INSR-related conditions. Invitae Evidence Modeling of protein sequence and biophysical properties (such as structural, functional, and spatial information, amino acid conservation, physicochemical variation, residue mobility, and thermodynamic stability) indicates that this missense variant is expected to disrupt INSR protein function with a positive predictive value of 95%. In summary, the available evidence is currently insufficient to determine the role of this variant in disease. Therefore, it has been classified as a Variant of Uncertain Significance.